The following is an entry in ClinVar:

ClinVar aggregate classification (germline): Likely benign. Review status: criteria provided, multiple submitters, no conflicts (2 of 4 stars). 3 submissions from 3 submitters: Likely benign (3). Last evaluated 2026-04-27.

Conditions:
DTNA-related disorder. Also called: DTNA-related condition.
Left ventricular noncompaction 1 (LVNC1). Also called: LEFT VENTRICULAR NONCOMPACTION 1 WITH OR WITHOUT CONGENITAL HEART DEFECTS. Identifiers: Orphanet 54260, MedGen C1858725, MONDO:0011403, OMIM 604169.

Allele frequency attached by ClinVar (database versions not stated): gnomAD 0.00001; gnomAD exomes 0.00001 and 0.00002; TOPMed 0.00001; ExAC 0.00002.
gnomAD v4.1: 18 of 1,613,758 alleles (0.0011%); highest among the groups gnomAD compares: East Asian, 0.0022%; no homozygotes.

Submissions (3):

Women's Health and Genetics/Laboratory Corporation of America, LabCorp
Classification: Likely benign. Last evaluated: 2026-04-27. Review status: criteria provided, single submitter. Criteria: LabCorp Variant Classification Summary - May 2015. Collection method: clinical testing. Allele origin: germline.

PreventionGenetics, part of Exact Sciences
Classification: Likely benign for DTNA-related condition. Last evaluated: 2025-12-31. Review status: criteria provided, single submitter. Criteria: ACMG Guidelines, 2015. Collection method: clinical testing. Allele origin: germline.
Comment: This variant is classified as likely benign based on ACMG/AMP sequence variant interpretation guidelines (Richards et al. 2015 PMID: 25741868, with internal and published modifications).

Labcorp Genetics (formerly Invitae), Labcorp
Classification: Likely benign for Left ventricular noncompaction 1. Last evaluated: 2022-07-05. Review status: criteria provided, single submitter. Criteria: Invitae Variant Classification Sherloc (09022015). Collection method: clinical testing. Allele origin: germline.

NM_001386795.1(DTNA):c.864G>A (p.Glu288=)

Gene: DTNA (dystrobrevin alpha; plus strand). Cytogenetic location: 18q12.1.
Variant type: single nucleotide variant.
Coding change: c.864G>A on transcript NM_001386795.1 (MANE Select); coding-DNA position 864, G replaced by A.
Protein change: p.Glu288=; no amino-acid change (glutamic acid 288 retained).
Molecular consequence: synonymous variant. On other transcripts: 5 prime UTR variant (2), intron variant (1).
Genome position (GRCh38, 1-based): chr18:34,818,318, G>A. VCF-style: chr18-34818318-G-A. GRCh37 (hg19) VCF-style: chr18-32398282-G-A.
Other names: c.864G>A, p.Glu288= (NM_001128175.2, NM_001198938.2, NM_001198939.2 and 34 more transcripts); c.-408G>A (NM_001198942.1, NM_001198944.1); c.114G>A, p.Glu38= (NM_001198943.1); c.603+6205G>A (NM_001198945.2); c.864G>A (NM_001390.4).
Identifiers: ClinVar variation 696303 (VCV000696303.12), dbSNP rs778634462, ClinGen allele CA8935471.